The following is an entry in ClinVar:

NM_001128178.3(NPHP1):c.304A>G (p.Thr102Ala)

Gene: NPHP1 (nephrocystin 1; minus strand). Cytogenetic location: 2q13.
Variant type: single nucleotide variant.
Coding change: c.304A>G on transcript NM_001128178.3 (MANE Select); coding-DNA position 304, A replaced by G.
Protein change: p.Thr102Ala; replaces threonine 102 with alanine.
Molecular consequence: missense variant. On other transcripts: intron variant (1).
Genome position (GRCh38, 1-based): chr2:110,178,448, T>C on the plus strand (A>G on the coding strand, the complement: NPHP1 is on the minus strand). VCF-style: chr2-110178448-T-C. GRCh37 (hg19) VCF-style: chr2-110936025-T-C.
Other names: c.304A>G, p.Thr102Ala (NM_000272.5, NM_001374256.1, NM_001374257.1 and 1 more transcripts); c.144-8450A>G (NM_001128179.3); short protein forms T102A.
Identifiers: ClinVar variation 1346395 (VCV001346395.6), dbSNP rs2104611760, ClinGen allele CA348093371.
Genomic context (GRCh38, chr2:110,178,448, plus strand): 5'-AAAAAAGAAAAAAGAAAGGTAGAAAGGAAGCATACTCAGTTATATTTTCTCTGCTTATTG[T>C]CACAGCAAGGCCCTGCAGTTGTTGGGTAAGCTTGTCCAAAAGAGTATGCTCCTCTTCTTT-3'
Protein context (NP_001121650.1, residues 92-112): LTQQLQGLAV[Thr102Ala]ISRENITEVG

ClinVar aggregate classification (germline): Uncertain significance (1 of 4 stars; one submission).

Conditions:
Nephronophthisis. Also called: Juvenile Nephronophthisis. Identifiers: Orphanet 655, MedGen C0687120, MONDO:0019005, HP:0000090.

Allele frequency attached by ClinVar (database versions not stated): gnomAD exomes below 0.00001.
gnomAD v4.1: 6 of 1,613,948 alleles (0.00037%); highest among the groups gnomAD compares: Non-Finnish European, 0.00051%; 1 homozygote.

Submission:

Labcorp Genetics (formerly Invitae), Labcorp
Classification: Uncertain significance for Nephronophthisis. Last evaluated: 2022-07-18. Review status: criteria provided, single submitter. Criteria: Invitae Variant Classification Sherloc (09022015). Collection method: clinical testing. Allele origin: germline.
Comment: In summary, the available evidence is currently insufficient to determine the role of this variant in disease. Therefore, it has been classified as a Variant of Uncertain Significance. Algorithms developed to predict the effect of missense changes on protein structure and function output the following: SIFT: "Tolerated"; PolyPhen-2: "Benign"; Align-GVGD: "Class C0". The alanine amino acid residue is found in multiple mammalian species, which suggests that this missense change does not adversely affect protein function. ClinVar contains an entry for this variant (Variation ID: 1346395). This variant has not been reported in the literature in individuals affected with NPHP1-related conditions. This variant is not present in population databases (gnomAD no frequency). This sequence change replaces threonine, which is neutral and polar, with alanine, which is neutral and non-polar, at codon 102 of the NPHP1 protein (p.Thr102Ala).